The following is an entry in ClinVar:

NM_014846.4(WASHC5):c.193G>A (p.Glu65Lys)

Gene: WASHC5 (WASH complex subunit 5; minus strand). Cytogenetic location: 8q24.13.
Variant type: single nucleotide variant.
Coding change: c.193G>A on transcript NM_014846.4 (MANE Select); coding-DNA position 193, G replaced by A.
Protein change: p.Glu65Lys; replaces glutamic acid 65 with lysine.
Molecular consequence: missense variant. On other transcripts: 5 prime UTR variant (1).
Genome position (GRCh38, 1-based): chr8:125,083,252, C>T on the plus strand (G>A on the coding strand, the complement: WASHC5 is on the minus strand). VCF-style: chr8-125083252-C-T. GRCh37 (hg19) VCF-style: chr8-126095494-C-T.
Other names: c.-252G>A (NM_001330609.2); short protein forms E65K.
Identifiers: ClinVar variation 2927252 (VCV002927252.3), dbSNP rs2537391039, ClinGen allele CA372268083.

ClinVar aggregate classification (germline): Uncertain significance (1 of 4 stars; one submission).

Conditions:
Hereditary spastic paraplegia 8 (SPG8). Also called: SPASTIC PARAPLEGIA 8, AUTOSOMAL DOMINANT. Identifiers: Orphanet 100989, MedGen C1863704, MONDO:0011339, OMIM 603563.
Ritscher-Schinzel syndrome. Also called: CRANIOCEREBELLOCARDIAC DYSPLASIA. Identifiers: Orphanet 7, MedGen C0796137, MONDO:0019078.

Allele frequency attached by ClinVar (database versions not stated): gnomAD exomes 0.00001.
gnomAD v4.1: 19 of 1,612,928 alleles (0.0012%); highest among the groups gnomAD compares: Non-Finnish European, 0.0016%; no homozygotes.

Submission:

Labcorp Genetics (formerly Invitae), Labcorp
Classification: Uncertain significance for Ritscher-Schinzel syndrome; Hereditary spastic paraplegia 8. Last evaluated: 2022-11-20. Review status: criteria provided, single submitter. Criteria: Invitae Variant Classification Sherloc (09022015). Collection method: clinical testing. Allele origin: germline.
Comment: In summary, the available evidence is currently insufficient to determine the role of this variant in disease. Therefore, it has been classified as a Variant of Uncertain Significance. Advanced modeling of protein sequence and biophysical properties (such as structural, functional, and spatial information, amino acid conservation, physicochemical variation, residue mobility, and thermodynamic stability) has been performed at Invitae for this missense variant, however the output from this modeling did not meet the statistical confidence thresholds required to predict the impact of this variant on WASHC5 protein function. This variant has not been reported in the literature in individuals affected with WASHC5-related conditions. This variant is not present in population databases (gnomAD no frequency). This sequence change replaces glutamic acid, which is acidic and polar, with lysine, which is basic and polar, at codon 65 of the WASHC5 protein (p.Glu65Lys).